The following is an entry in ClinVar:

NM_018972.4(GDAP1):c.467C>G (p.Ala156Gly)

Gene: GDAP1 (ganglioside induced differentiation associated protein 1; plus strand). Cytogenetic location: 8q21.11.
Variant type: single nucleotide variant.
Coding change: c.467C>G on transcript NM_018972.4 (MANE Select); coding-DNA position 467, C replaced by G.
Protein change: p.Ala156Gly; replaces alanine 156 with glycine.
Molecular consequence: missense variant. On other transcripts: intron variant (1).
Genome position (GRCh38, 1-based): chr8:74,360,293, C>G. VCF-style: chr8-74360293-C-G. GRCh37 (hg19) VCF-style: chr8-75272528-C-G.
Other names: c.263C>G, p.Ala88Gly (NM_001040875.4); c.140C>G, p.Ala47Gly (NM_001362929.2, NM_001362932.2); c.467C>G, p.Ala156Gly (NM_001362931.2); c.311-1591C>G (NM_001362930.2); short protein forms A156G, A47G, A88G.
Identifiers: ClinVar variation 50557 (VCV000050557.7), dbSNP rs397515441, ClinGen allele CA263216.
Genomic context (GRCh38, chr8:74,360,293, plus strand): 5'-ATACACATGGCTGCATTTTACATCCTGAGTTAACTGTGGACTCCATGATCCCGGCTTATG[C>G]AACTACAAGGATTCGTAGTATGTAAACATTTTAAAGACCTGGAATTCTGTCTGACACTTT-3'
Protein context (NP_061845.2, residues 146-166): LTVDSMIPAY[Ala156Gly]TTRIRSQIGN

ClinVar aggregate classification (germline): Pathogenic. Review status: criteria provided, single submitter (1 of 4 stars). 3 submissions from 3 submitters: Pathogenic (1). 2 of the submissions do not count toward it. Last evaluated 2022-11-14.

Conditions:
Charcot-Marie-Tooth disease axonal type 2K (CMT2K). Also called: CHARCOT-MARIE-TOOTH DISEASE, AXONAL, AUTOSOMAL RECESSIVE, TYPE 2K; CHARCOT-MARIE-TOOTH NEUROPATHY, AXONAL, TYPE 2K; Charcot-Marie-Tooth disease type 2K. Identifiers: Orphanet 101097, Orphanet 99944, MedGen C1842983, MONDO:0011916, OMIM 607831.
Charcot-Marie-Tooth disease type 4A. Also called: Charcot-Marie-Tooth disease, demyelinating, autosomal recessive, type 4a. Identifiers: Orphanet 99948, MedGen C1859198, MONDO:0008961, OMIM 214400.

Submissions (3):

Labcorp Genetics (formerly Invitae), Labcorp
Classification: Pathogenic for Charcot-Marie-Tooth disease type 4A. Last evaluated: 2022-11-14. Review status: criteria provided, single submitter. Criteria: Invitae Variant Classification Sherloc (09022015). Collection method: clinical testing. Allele origin: germline.
Comment: Experimental studies have shown that this missense change affects GDAP1 function (PMID: 21753178, 32183277). This sequence change replaces alanine, which is neutral and non-polar, with glycine, which is neutral and non-polar, at codon 156 of the GDAP1 protein (p.Ala156Gly). This variant is not present in population databases (gnomAD no frequency). This missense change has been observed in individuals with autosomal dominant Charcot-Marie-Tooth disease (PMID: 21753178, 28244113). It has also been observed to segregate with disease in related individuals. ClinVar contains an entry for this variant (Variation ID: 50557). Algorithms developed to predict the effect of missense changes on protein structure and function are either unavailable or do not agree on the potential impact of this missense change (SIFT: "Tolerated"; PolyPhen-2: "Probably Damaging"; Align-GVGD: "Class C0"). For these reasons, this variant has been classified as Pathogenic.

Inherited Neuropathy Consortium Ii, University Of Miami
Classification: Uncertain significance for Charcot-Marie-Tooth disease axonal type 2K. Last evaluated: 2016-01-06. Review status: no assertion criteria provided. Collection method: literature only. Allele origin: germline. Affected: yes. Not counted in ClinVar's aggregate classification.

OMIM
Classification: Pathogenic for CHARCOT-MARIE-TOOTH DISEASE, AUTOSOMAL DOMINANT, TYPE 2K. Last evaluated: 2011-08-09. Review status: no assertion criteria provided. Collection method: literature only. Allele origin: germline. Not counted in ClinVar's aggregate classification.

Literature cited by the submitters: PubMed 21753178 (cited by 3 submitters); PubMed 32183277 (cited by Labcorp Genetics (formerly Invitae), Labcorp); PubMed 28244113 (cited by Labcorp Genetics (formerly Invitae), Labcorp).